The following is an entry in ClinVar:

NM_022124.6(CDH23):c.8225C>T (p.Pro2742Leu)

Gene: CDH23 (cadherin related 23; plus strand). Cytogenetic location: 10q22.1.
Variant type: single nucleotide variant.
Coding change: c.8225C>T on transcript NM_022124.6 (MANE Select); coding-DNA position 8225, C replaced by T.
Protein change: p.Pro2742Leu; replaces proline 2742 with leucine.
Molecular consequence: missense variant.
Genome position (GRCh38, 1-based): chr10:71,807,323, C>T. VCF-style: chr10-71807323-C-T. GRCh37 (hg19) VCF-style: chr10-73567080-C-T.
Other names: c.1505C>T, p.Pro502Leu (NM_001171933.1, NM_001171934.1); short protein forms P2742L, P502L.
Identifiers: ClinVar variation 285919 (VCV000285919.21), dbSNP rs758360283, ClinGen allele CA5546578.
Genomic context (GRCh38, chr10:71,807,323, plus strand): 5'-CCCTCCCTCTGCAGAAAGGCAGCCCCCAGTACCAGCTGCTGACAGTGCCTGAGCACTCAC[C>T]ACGCGGCACCCTCGTGGGCAACGTGACAGGCGCAGTGGATGCAGATGAGGGCCCCAACGC-3'
Protein context (NP_071407.4, residues 2732-2752): YQLLTVPEHS[Pro2742Leu]RGTLVGNVTG

ClinVar aggregate classification (germline): Uncertain significance. Review status: criteria provided, multiple submitters, no conflicts (2 of 4 stars). 8 submissions from 8 submitters: Uncertain significance (7). 1 of the submissions does not count toward it. Last evaluated 2026-08-01.

Conditions:
Inborn genetic diseases. Identifiers: MedGen C0950123, MeSH D030342.
CDH23-related disorder. Also called: CDH23-related condition; CDH23-related disorders.
Usher syndrome type 1 (USH1). Also called: RETINITIS PIGMENTOSA AND CONGENITAL DEAFNESS. Identifiers: Orphanet 231169, Orphanet 886, MedGen C1568247, MONDO:0010168, OMIM 276900.

Allele frequency attached by ClinVar (database versions not stated): ExAC 0.00003; TOPMed 0.00004; gnomAD 0.00006.

Submissions (8):

PreventionGenetics, part of Exact Sciences
Classification: Uncertain significance for CDH23-related condition. Last evaluated: 2026-08-01. Review status: criteria provided, single submitter. Criteria: ACMG Guidelines, 2015. Collection method: clinical testing. Allele origin: germline.
Comment: The CDH23 c.8225C>T variant is predicted to result in the amino acid substitution p.Pro2742Leu. To our knowledge, this variant has not been reported in the literature. This variant is reported in 0.0070% of alleles in individuals of European (Non-Finnish) descent in gnomAD. At this time, the clinical significance of this variant is uncertain due to the absence of conclusive functional and genetic evidence.

Ambry Genetics
Classification: Uncertain significance for Inborn genetic diseases. Last evaluated: 2025-09-25. Review status: criteria provided, single submitter. Criteria: Ambry Variant Classification Scheme 2023. Collection method: clinical testing. Allele origin: germline.

GeneDx
Classification: Uncertain significance. Last evaluated: 2025-08-14. Review status: criteria provided, single submitter. Criteria: GeneDx Variant Classification Process June 2021. Collection method: clinical testing. Allele origin: germline. Affected: yes.
Comment: Not observed at significant frequency in large population cohorts (gnomAD); In silico analysis supports that this missense variant has a deleterious effect on protein structure/function; Has not been previously published as pathogenic or benign to our knowledge

Labcorp Genetics (formerly Invitae), Labcorp
Classification: Uncertain significance. Last evaluated: 2022-08-05. Review status: criteria provided, single submitter. Criteria: Invitae Variant Classification Sherloc (09022015). Collection method: clinical testing. Allele origin: germline.
Comment: This sequence change replaces proline, which is neutral and non-polar, with leucine, which is neutral and non-polar, at codon 2742 of the CDH23 protein (p.Pro2742Leu). This variant is present in population databases (rs758360283, gnomAD 0.007%). This variant has not been reported in the literature in individuals affected with CDH23-related conditions. ClinVar contains an entry for this variant (Variation ID: 285919). Algorithms developed to predict the effect of missense changes on protein structure and function are either unavailable or do not agree on the potential impact of this missense change (SIFT: "Deleterious"; PolyPhen-2: "Not Available"; Align-GVGD: "Class C0"). In summary, the available evidence is currently insufficient to determine the role of this variant in disease. Therefore, it has been classified as a Variant of Uncertain Significance.

Blueprint Genetics
Classification: Uncertain significance. Last evaluated: 2022-02-07. Review status: criteria provided, single submitter. Criteria: ACMG Guidelines, 2015. Collection method: clinical testing. Allele origin: germline.

Laboratory for Molecular Medicine, Mass General Brigham Personalized Medicine
Classification: Uncertain significance. Last evaluated: 2017-07-11. Review status: criteria provided, single submitter. Criteria: LMM Criteria. Collection method: clinical testing. Allele origin: germline. Observed: 1 variant allele.
Comment: The p.Pro2742Leu variant in CDH23 has not been previously reported in individual s with hearing loss. It has been reported in an individual with unspecified affe cted status in ClinVar (Variation ID 285919) as of uncertain significance. It ha s also been identified in 9/126192 European chromosomes by the Genome Aggregatio n Database (gnomAD; dbSNP rs758360283). Althou gh this variant has been seen in the general population, its frequency is not hi gh enough to rule out a pathogenic role. Computational prediction tools and cons ervation analysis do not provide strong support for or against an impact to the protein. In summary, the clinical significance of the p.Pro2742Leu variant is un certain.

Eurofins Ntd Llc (ga)
Classification: Uncertain significance. Last evaluated: 2016-02-01. Review status: criteria provided, single submitter. Criteria: EGL Classification Definitions 2015. Collection method: clinical testing. Allele origin: germline. Observed: 1 variant allele, 1 heterozygote.

Natera, Inc.
Classification: Uncertain significance for Usher syndrome type 1. Last evaluated: 2020-01-24. Review status: no assertion criteria provided. Collection method: clinical testing. Allele origin: germline. Not counted in ClinVar's aggregate classification.